The following is an entry in ClinVar:

NM_003628.6(PKP4):c.311G>C (p.Arg104Thr)

Gene: PKP4 (plakophilin 4; plus strand). Cytogenetic location: 2q24.1.
Variant type: single nucleotide variant.
Coding change: c.311G>C on transcript NM_003628.6 (MANE Select); coding-DNA position 311, G replaced by C.
Protein change: p.Arg104Thr; replaces arginine 104 with threonine.
Molecular consequence: missense variant. On other transcripts: 5 prime UTR variant (1).
Genome position (GRCh38, 1-based): chr2:158,621,020, G>C. VCF-style: chr2-158621020-G-C. GRCh37 (hg19) VCF-style: chr2-159477532-G-C.
Other names: c.311G>C, p.Arg104Thr (NM_001005476.4, NM_001304969.3, NM_001304971.2 and 9 more transcripts); c.-639G>C (NM_001304970.3); short protein forms R104T.
Identifiers: ClinVar variation 1727848 (VCV001727848.3), dbSNP rs148833140, ClinGen allele CA1920372.

ClinVar aggregate classification (germline): Uncertain significance (1 of 4 stars; one submission).

Allele frequency attached by ClinVar (database versions not stated): gnomAD exomes below 0.00001; ExAC 0.00004; gnomAD 0.00005; TOPMed 0.00006; ESP Exome Variant Server 0.00015.
gnomAD v4.1: 10 of 1,613,878 alleles (0.00062%); highest among the groups gnomAD compares: African/African-American, 0.013%; no homozygotes.

Submission:

Ambry Genetics
Classification: Uncertain significance. Last evaluated: 2023-07-10. Review status: criteria provided, single submitter. Criteria: Ambry Variant Classification Scheme 2023. Collection method: clinical testing. Allele origin: germline.
Comment: The p.R104T variant (also known as c.311G>C), located in coding exon 4 of the PKP4 gene, results from a G to C substitution at nucleotide position 311. The arginine at codon 104 is replaced by threonine, an amino acid with similar properties. This amino acid position is conserved. In addition, this alteration is predicted to be tolerated by in silico analysis. Since supporting evidence is limited at this time, the clinical significance of this alteration remains unclear.